The following is an entry in ClinVar:

ClinVar aggregate classification (germline): Uncertain significance (1 of 4 stars; one submission).

gnomAD v4.1: 1 of 1,613,040 alleles (0.000062%); highest among the groups gnomAD compares: Non-Finnish European, 0.000085%; no homozygotes.

Submission:

Labcorp Genetics (formerly Invitae), Labcorp
Classification: Uncertain significance. Last evaluated: 2022-02-22. Review status: criteria provided, single submitter. Criteria: Invitae Variant Classification Sherloc (09022015). Collection method: clinical testing. Allele origin: germline.
Comment: This sequence change replaces asparagine, which is neutral and polar, with isoleucine, which is neutral and non-polar, at codon 199 of the PEPD protein (p.Asn199Ile). This variant is not present in population databases (gnomAD no frequency). This variant has not been reported in the literature in individuals affected with PEPD-related conditions. Algorithms developed to predict the effect of missense changes on protein structure and function are either unavailable or do not agree on the potential impact of this missense change (SIFT: "Tolerated"; PolyPhen-2: "Possibly Damaging"; Align-GVGD: "Class C0"). In summary, the available evidence is currently insufficient to determine the role of this variant in disease. Therefore, it has been classified as a Variant of Uncertain Significance.

NM_000285.4(PEPD):c.596A>T (p.Asn199Ile)

Gene: PEPD (peptidase D; minus strand). Cytogenetic location: 19q13.11.
Variant type: single nucleotide variant.
Coding change: c.596A>T on transcript NM_000285.4 (MANE Select); coding-DNA position 596, A replaced by T.
Protein change: p.Asn199Ile; replaces asparagine 199 with isoleucine.
Molecular consequence: missense variant. On other transcripts: intron variant (1).
Genome position (GRCh38, 1-based): chr19:33,464,015, T>A on the plus strand (A>T on the coding strand, the complement: PEPD is on the minus strand). VCF-style: chr19-33464015-T-A. GRCh37 (hg19) VCF-style: chr19-33954921-T-A.
Other names: c.404A>T, p.Asn135Ile (NM_001166057.2); c.548+14031A>T (NM_001166056.2); short protein forms N135I, N199I.
Identifiers: ClinVar variation 2101667 (VCV002101667.4), dbSNP rs533937837, ClinGen allele CA405230739.
Genomic context (GRCh38, chr19:33,464,015, plus strand): 5'-CCCCACTCAACCAGAGCCGGTGCCTGACTTACCTCACGGTGGGCCTCGCTGGAGATTTTA[T>A]TGGTATAGCGCAGAACCTCCAGCTCCATATCCGTCTTAAACACTCGGCTTCAGAGACAGA-3'
Protein context (NP_000276.2, residues 189-209): DMELEVLRYT[Asn199Ile]KISSEAHREV